The following is an entry in ClinVar:

ClinVar aggregate classification (germline): Likely benign. Review status: criteria provided, multiple submitters, no conflicts (2 of 4 stars). 3 submissions from 3 submitters: Likely benign (3). Last evaluated 2025-06-19.

Conditions:
THSD4-related disorder. Also called: THSD4-related condition.

Allele frequency attached by ClinVar (database versions not stated): ESP Exome Variant Server 0.00008; gnomAD exomes 0.00014; ExAC 0.00018; gnomAD 0.00027; TOPMed 0.00028.
gnomAD v4.1: 271 of 1,614,066 alleles (0.017%); highest among the groups gnomAD compares: Middle Eastern, 0.16%; no homozygotes.

Submissions (3):

PreventionGenetics, part of Exact Sciences
Classification: Likely benign for THSD4-related condition. Last evaluated: 2025-06-19. Review status: criteria provided, single submitter. Criteria: ACMG Guidelines, 2015. Collection method: clinical testing. Allele origin: germline.
Comment: This variant is classified as likely benign based on ACMG/AMP sequence variant interpretation guidelines (Richards et al. 2015 PMID: 25741868, with internal and published modifications).

CeGaT Center for Human Genetics Tuebingen
Classification: Likely benign. Last evaluated: 2023-10-01. Review status: criteria provided, single submitter. Criteria: CeGaT Center For Human Genetics Tuebingen Variant Classification Criteria Version 2. Collection method: clinical testing. Allele origin: germline. Affected: yes. Observed: 1 variant allele.
Comment: THSD4: BP4

Ambry Genetics
Classification: Likely benign. Last evaluated: 2022-05-10. Review status: criteria provided, single submitter. Criteria: Ambry Variant Classification Scheme 2023. Collection method: clinical testing. Allele origin: germline.

NM_024817.3(THSD4):c.554C>T (p.Thr185Met)

Gene: THSD4 (thrombospondin type 1 domain containing 4; plus strand). Cytogenetic location: 15q23.
Variant type: single nucleotide variant.
Coding change: c.554C>T on transcript NM_024817.3 (MANE Select); coding-DNA position 554, C replaced by T.
Protein change: p.Thr185Met; replaces threonine 185 with methionine.
Molecular consequence: missense variant.
Genome position (GRCh38, 1-based): chr15:71,242,738, C>T. VCF-style: chr15-71242738-C-T. GRCh37 (hg19) VCF-style: chr15-71535077-C-T.
Other names: c.554C>T (NM_024817.2); c.554C>T, p.Thr185Met (NM_001394532.1); short protein forms T185M.
Identifiers: ClinVar variation 2645499 (VCV002645499.26), dbSNP rs200233214, ClinGen allele CA7639062.